The following is an entry in ClinVar:

NM_001127222.2(CACNA1A):c.4478A>G (p.Tyr1493Cys)

Gene: CACNA1A (calcium voltage-gated channel subunit alpha1 A; minus strand). Cytogenetic location: 19p13.13.
Variant type: single nucleotide variant.
Coding change: c.4478A>G on transcript NM_001127222.2 (MANE Select); coding-DNA position 4478, A replaced by G.
Protein change: p.Tyr1493Cys; replaces tyrosine 1493 with cysteine.
Molecular consequence: missense variant.
Genome position (GRCh38, 1-based): chr19:13,257,462, T>C on the plus strand (A>G on the coding strand, the complement: CACNA1A is on the minus strand). VCF-style: chr19-13257462-T-C. GRCh37 (hg19) VCF-style: chr19-13368276-T-C.
Other names: c.4490A>G, p.Tyr1497Cys (NM_000068.4, NM_023035.3); c.4481A>G, p.Tyr1494Cys (NM_001127221.2, NM_001174080.2); short protein forms Y1493C, Y1494C, Y1497C.
Identifiers: ClinVar variation 2574910 (VCV002574910.1), dbSNP rs2056601163, ClinGen allele CA404338976.

ClinVar aggregate classification (germline): Uncertain significance (1 of 4 stars; one submission).

Allele frequency attached by ClinVar (database versions not stated): gnomAD exomes below 0.00001.
gnomAD v4.1: 1 of 1,613,582 alleles (0.000062%); highest among the groups gnomAD compares: Non-Finnish European, 0.000085%; no homozygotes.

Submission:

GeneDx
Classification: Uncertain significance. Last evaluated: 2023-02-05. Review status: criteria provided, single submitter. Criteria: GeneDx Variant Classification Process June 2021. Collection method: clinical testing. Allele origin: germline. Affected: yes.
Comment: Not observed at significant frequency in large population cohorts (gnomAD); In silico analysis supports that this missense variant has a deleterious effect on protein structure/function; Has not been previously published as pathogenic or benign to our knowledge